The following is an entry in ClinVar:

ClinVar aggregate classification (germline): Uncertain significance (1 of 4 stars; one submission).

Conditions:
Developmental and epileptic encephalopathy, 37 (DEE37). Also called: Epileptic encephalopathy, early infantile, 37. Identifiers: MedGen C4310770, MONDO:0014859, OMIM 616981.

Allele frequency attached by ClinVar (database versions not stated): gnomAD 0.00001; gnomAD exomes 0.00001; TOPMed 0.00001; ExAC 0.00006.
gnomAD v4.1: 18 of 1,613,256 alleles (0.0011%); highest among the groups gnomAD compares: Non-Finnish European, 0.0014%; no homozygotes.

Submission:

Labcorp Genetics (formerly Invitae), Labcorp
Classification: Uncertain significance for Developmental and epileptic encephalopathy, 37. Last evaluated: 2022-08-06. Review status: criteria provided, single submitter. Criteria: Invitae Variant Classification Sherloc (09022015). Collection method: clinical testing. Allele origin: germline.
Comment: In summary, the available evidence is currently insufficient to determine the role of this variant in disease. Therefore, it has been classified as a Variant of Uncertain Significance. Algorithms developed to predict the effect of missense changes on protein structure and function (SIFT, PolyPhen-2, Align-GVGD) all suggest that this variant is likely to be tolerated. This variant has not been reported in the literature in individuals affected with FRRS1L-related conditions. This variant is present in population databases (rs770490096, gnomAD 0.008%). This sequence change replaces aspartic acid, which is acidic and polar, with asparagine, which is neutral and polar, at codon 182 of the FRRS1L protein (p.Asp182Asn).

NM_014334.4(FRRS1L):c.391G>A (p.Asp131Asn)

Gene: FRRS1L (ferric chelate reductase 1 like; minus strand). Cytogenetic location: 9q31.3.
Variant type: single nucleotide variant.
Coding change: c.391G>A on transcript NM_014334.4 (MANE Select); coding-DNA position 391, G replaced by A.
Protein change: p.Asp131Asn; replaces aspartic acid 131 with asparagine.
Molecular consequence: missense variant.
Genome position (GRCh38, 1-based): chr9:109,147,122, C>T on the plus strand (G>A on the coding strand, the complement: FRRS1L is on the minus strand). VCF-style: chr9-109147122-C-T. GRCh37 (hg19) VCF-style: chr9-111909402-C-T.
Other names: short protein forms D131N.
Identifiers: ClinVar variation 1944865 (VCV001944865.5), dbSNP rs770490096, ClinGen allele CA5177427.